The following is an entry in ClinVar:

NM_000553.6(WRN):c.341T>C (p.Val114Ala)

Gene: WRN (WRN RecQ like helicase; plus strand). Cytogenetic location: 8p12.
Variant type: single nucleotide variant.
Coding change: c.341T>C on transcript NM_000553.6 (MANE Select); coding-DNA position 341, T replaced by C.
Protein change: p.Val114Ala; replaces valine 114 with alanine.
Molecular consequence: missense variant.
Genome position (GRCh38, 1-based): chr8:31,064,420, T>C. VCF-style: chr8-31064420-T-C. GRCh37 (hg19) VCF-style: chr8-30921936-T-C.
Other names: short protein forms V114A.
Identifiers: ClinVar variation 1383006 (VCV001383006.4), dbSNP rs1339754023, ClinGen allele CA370914449.
Genomic context (GRCh38, chr8:31,064,420, plus strand): 5'-TTGGCAAAGTTGCACTAATTCAGTTGTGTGTTTCTGAGAGCAAATGTTACTTGTTCCACG[T>C]TTCTTCCATGTCAGGTTGGTATCTCTACATTTCATTTTTATATGGCTGATAATTGTAATA-3'
Protein context (NP_000544.2, residues 104-124): VSESKCYLFH[Val114Ala]SSMSVFPQGL

ClinVar aggregate classification (germline): Uncertain significance (1 of 4 stars; one submission).

Conditions:
Werner syndrome (WRN). Identifiers: Orphanet 902, MedGen C0043119, MONDO:0010196, OMIM 277700.

Allele frequency attached by ClinVar (database versions not stated): TOPMed below 0.00001.

Submission:

Labcorp Genetics (formerly Invitae), Labcorp
Classification: Uncertain significance for Werner syndrome. Last evaluated: 2024-05-21. Review status: criteria provided, single submitter. Criteria: Invitae Variant Classification Sherloc (09022015). Collection method: clinical testing. Allele origin: germline.
Comment: This sequence change replaces valine, which is neutral and non-polar, with alanine, which is neutral and non-polar, at codon 114 of the WRN protein (p.Val114Ala). This variant is not present in population databases (gnomAD no frequency). This variant has not been reported in the literature in individuals affected with WRN-related conditions. ClinVar contains an entry for this variant (Variation ID: 1383006). An algorithm developed to predict the effect of missense changes on protein structure and function (PolyPhen-2) suggests that this variant is likely to be disruptive. In summary, the available evidence is currently insufficient to determine the role of this variant in disease. Therefore, it has been classified as a Variant of Uncertain Significance.